The following is an entry in ClinVar:

ClinVar aggregate classification (germline): Uncertain significance. Review status: criteria provided, multiple submitters, no conflicts (2 of 4 stars). 2 submissions from 2 submitters: Uncertain significance (2). Last evaluated 2021-11-09.

Conditions:
Inborn genetic diseases. Identifiers: MedGen C0950123, MeSH D030342.

Submissions (2):

Ambry Genetics
Classification: Uncertain significance for Inborn genetic diseases. Last evaluated: 2021-11-09. Review status: criteria provided, single submitter. Criteria: Ambry Variant Classification Scheme 2023. Collection method: clinical testing. Allele origin: germline.

Centre for Mendelian Genomics, University Medical Centre Ljubljana
Classification: Uncertain significance. Last evaluated: 2019-08-16. Review status: criteria provided, single submitter. Criteria: ACMG Guidelines, 2015. Collection method: clinical testing. Allele origin: unknown. Affected: yes.
Comment: This variant was classified as: Uncertain significance. The available evidence on this variant's pathogenicity is insufficient or conflicting. The following ACMG criteria were applied in classifying this variant: PM2.

NM_201525.4(ADGRG1):c.1646G>T (p.Gly549Val)

Gene: ADGRG1 (adhesion G protein-coupled receptor G1; plus strand). Cytogenetic location: 16q21.
Variant type: single nucleotide variant.
Coding change: c.1646G>T on transcript NM_201525.4 (MANE Select); coding-DNA position 1646, G replaced by T.
Protein change: p.Gly549Val; replaces glycine 549 with valine.
Molecular consequence: missense variant.
Genome position (GRCh38, 1-based): chr16:57,660,858, G>T. VCF-style: chr16-57660858-G-T. GRCh37 (hg19) VCF-style: chr16-57694770-G-T.
Other names: c.1646G>T, p.Gly549Val (NM_001145770.3, NM_001145772.3, NM_001145774.3 and 7 more transcripts); c.1664G>T, p.Gly555Val (NM_001145771.3, NM_001370428.1, NM_001370429.1 and 4 more transcripts); c.1661G>T, p.Gly554Val (NM_001145773.3, NM_001370433.1, NM_001370434.1); c.1154G>T, p.Gly385Val (NM_001290142.2); c.1139G>T, p.Gly380Val (NM_001290143.2); c.1121G>T, p.Gly374Val (NM_001290144.2, NM_001370451.1, NM_001370453.1 and 1 more transcripts); c.1643G>T, p.Gly548Val (NM_001370441.1); c.1490G>T, p.Gly497Val (NM_001370442.1); and 1 more; short protein forms G374V, G549V, G380V, G385V, G548V, G554V, G497V, G555V.
Identifiers: ClinVar variation 931930 (VCV000931930.5), dbSNP rs1220215860, ClinGen allele CA396051943.